The following is an entry in ClinVar:

NM_000744.7(CHRNA4):c.851C>T (p.Ser284Leu)

Gene: CHRNA4 (cholinergic receptor nicotinic alpha 4 subunit; minus strand). Cytogenetic location: 20q13.33.
Variant type: single nucleotide variant.
Coding change: c.851C>T on transcript NM_000744.7 (MANE Select); coding-DNA position 851, C replaced by T.
Protein change: p.Ser284Leu; replaces serine 284 with leucine.
Molecular consequence: missense variant. On other transcripts: non-coding transcript variant (1).
Genome position (GRCh38, 1-based): chr20:63,350,560, G>A on the plus strand (C>T on the coding strand, the complement: CHRNA4 is on the minus strand). VCF-style: chr20-63350560-G-A. GRCh37 (hg19) VCF-style: chr20-61981912-G-A.
Other names: S252L; p.S284L:TCG>TTG; c.323C>T, p.Ser108Leu (NM_001256573.2); short protein forms S284L, S108L.
Identifiers: ClinVar variation 17500 (VCV000017500.25), dbSNP rs28931591, ClinGen allele CA313555.

ClinVar aggregate classification (germline): Pathogenic. Review status: criteria provided, multiple submitters, no conflicts (2 of 4 stars). 9 submissions from 9 submitters: Pathogenic (6). 3 of the submissions do not count toward it. Last evaluated 2026-08-05.

Conditions:
CHRNA4-related disorder. Also called: CHRNA4-related condition.
Familial sleep-related hypermotor epilepsy. Also called: Autosomal Dominant Sleep-Related Hypermotor (Hyperkinetic) Epilepsy. Identifiers: Orphanet 98784, MedGen C3696898, MONDO:0000030.
Inborn genetic diseases. Identifiers: MedGen C0950123, MeSH D030342.
Autosomal dominant nocturnal frontal lobe epilepsy 1. Also called: CHRNA4-Related Nocturnal Frontal Lobe Epilepsy, Autosomal Dominant; EPILEPSY, NOCTURNAL FRONTAL LOBE, TYPE 1. Identifiers: Orphanet 98784, MedGen C1838049, MONDO:0010899, OMIM 600513.

Submissions (9):

GeneDx
Classification: Pathogenic. Last evaluated: 2026-08-05. Review status: criteria provided, single submitter. Criteria: GeneDx Variant Classification Process June 2021. Collection method: clinical testing. Allele origin: germline.
Comment: Not observed at significant frequency in large population cohorts (gnomAD); In silico analysis supports that this missense variant has a deleterious effect on protein structure/function; Also known as C755T; This variant is associated with the following publications: (PMID: 34926809, 22883468, 19237585, 22036597, 12887446, 28717674, 30034362, 14623738, 33726816, 31440721, 15790597, 12383275, 33284031, 38397441, 19577488, 19020039, 32443400, 32235384, 39193833, 32516974, 24045013, 33143372, 17768273, 32169758, 35325849, 38338895, 30911571, 32347641, 31901135, 10643924, 21753767, 11904236, 20297737, 34392009, Kulikova 2019[abstract], 10563623, 31835056, 35786744, 22118295, 10939581, 42032841)

Labcorp Genetics (formerly Invitae), Labcorp
Classification: Pathogenic. Last evaluated: 2025-02-28. Review status: criteria provided, single submitter. Criteria: Invitae Variant Classification Sherloc (09022015). Collection method: clinical testing. Allele origin: germline.
Comment: This sequence change replaces serine, which is neutral and polar, with leucine, which is neutral and non-polar, at codon 284 of the CHRNA4 protein (p.Ser284Leu). This variant is not present in population databases (gnomAD no frequency). This missense change has been observed in individual(s) with autosomal dominant nocturnal frontal lobe epilepsy (ADNFLE) (PMID: 10563623, 10939581, 12887446, 14623738, 22118295). In at least one individual the variant was observed to be de novo. It has also been observed to segregate with disease in related individuals. This variant is also known as c.755C>T (p.Ser252Leu). ClinVar contains an entry for this variant (Variation ID: 17500). Invitae Evidence Modeling of protein sequence and biophysical properties (such as structural, functional, and spatial information, amino acid conservation, physicochemical variation, residue mobility, and thermodynamic stability) indicates that this missense variant is expected to disrupt CHRNA4 protein function with a positive predictive value of 80%. Experimental studies have shown that this missense change affects CHRNA4 function (PMID: 19020039, 19237585, 22036597). For these reasons, this variant has been classified as Pathogenic.

Blueprint Genetics
Classification: Pathogenic for CHRNA4-related disorders. Last evaluated: 2024-03-14. Review status: criteria provided, single submitter. Criteria: ACMG Guidelines, 2015. Collection method: clinical testing. Allele origin: germline. Affected: yes. Observed: 3 variant alleles.

Victorian Clinical Genetics Services, Murdoch Childrens Research Institute
Classification: Pathogenic for Autosomal dominant nocturnal frontal lobe epilepsy 1. Last evaluated: 2022-02-02. Review status: criteria provided, single submitter. Criteria: ACMG Guidelines, 2015. Collection method: clinical testing. Allele origin: germline. Inheritance: Autosomal dominant inheritance.
Comment: Based on the classification scheme VCGS_Germline_v1.3.4, this variant is classified as Pathogenic. Following criteria are met: 0105 - The mechanism of disease for this gene is not clearly established. (I) 0107 - This gene is associated with autosomal dominant disease. (I) 0200 - Variant is predicted to result in a missense amino acid change from serine to leucine. (I) 0251 - This variant is heterozygous. (I) 0301 - Variant is absent from gnomAD (both v2 and v3). (SP) 0501 - Missense variant consistently predicted to be damaging by multiple in silico tools or highly conserved with a major amino acid change. 0600 - Variant is located in the annotated neurotransmitter-gated ion-channel transmembrane domain (NCBI). (I) 0801 - This variant has strong previous evidence of pathogenicity in unrelated individuals. This variant has been reported as pathogenic in many individuals with nocturnal frontal lobe epilepsy (ClinVar, PMID: 10563623, PMID: 14623738). (SP) 0901 - This variant has strong evidence for segregation with disease. This variant has been shown to segregate with disease in multi-generation families (PMID: 10563623, PMID: 14623738). (SP) 1208 - Inheritance information for this variant is not currently available in this individual. (I) Legend: (SP) - Supporting pathogenic, (I) - Information, (SB) - Supporting benign

Centre for Inherited Metabolic Diseases, Karolinska University Hospital
Classification: Pathogenic for Autosomal dominant nocturnal frontal lobe epilepsy 1. Last evaluated: 2021-04-13. Review status: criteria provided, single submitter. Criteria: ACMG Guidelines, 2015. Collection method: clinical testing. Allele origin: germline. Inheritance: Autosomal dominant inheritance. Affected: yes. Observed: 1 heterozygote.

Ambry Genetics
Classification: Pathogenic for Inborn genetic diseases. Last evaluated: 2016-09-16. Review status: criteria provided, single submitter. Criteria: Ambry Variant Classification Scheme 2023. Collection method: clinical testing. Allele origin: germline.
Comment: The p.S284L pathogenic mutation (also known as c.851C>T), located in coding exon 5 of the CHRNA4 gene, results from a C to T substitution at nucleotide position 851. The serine at codon 284 is replaced by leucine, an amino acid with dissimilar properties. This pathogenic mutation segregated with autosomal dominant nocturnal frontal lobe epilepsy (ADNFLE) in multiple families in the literature; some of these individuals had varying levels of intellectual disability and some were not responsive to seizure medication (Hirose S et al. Neurology, 1999 Nov;53:1749-53; Rozycka A et al. Epilepsia, 2003 Aug;44:1113-7; Cho YW et al. Arch. Neurol., 2003 Nov;60:1625-32). Functional studies found that this mutation results in faster desensitization when expressed in Xenopus oocytes, which is consistent with a loss of function mutation (Matsushima N et al. Epilepsy Res., 2002 Feb;48:181-6). In addition, rats with this mutation showed attenuation of synaptic and extrasynaptic GABAergic transmission with an NFLE phenotype (Zhu G et al. J. Neurosci., 2008 Nov;28:12465-76). Based on the supporting evidence, this alteration is interpreted as a disease-causing mutation.

Clinical Molecular Genetics Laboratory, Johns Hopkins All Children's Hospital
Classification: Likely pathogenic for Epilepsy, nocturnal frontal lobe, type 1. Last evaluated: 2016-11-16. Review status: no assertion criteria provided. Collection method: clinical testing. Allele origin: germline. Affected: yes. Not counted in ClinVar's aggregate classification.

OMIM
Classification: Pathogenic for EPILEPSY, NOCTURNAL FRONTAL LOBE, TYPE 1. Last evaluated: 2011-08-01. Review status: no assertion criteria provided. Collection method: literature only. Allele origin: germline. Not counted in ClinVar's aggregate classification.

GeneReviews
No classification provided. Condition: Autosomal dominant nocturnal frontal lobe epilepsy 1. Review status: no classification provided. Collection method: literature only. Allele origin: germline. Not counted in ClinVar's aggregate classification.

Literature cited by the submitters: PubMed 10563623 (cited by 4 submitters); PubMed 10939581 (cited by Labcorp Genetics (formerly Invitae), Labcorp); PubMed 12887446 (cited by Labcorp Genetics (formerly Invitae), Labcorp and Ambry Genetics); PubMed 14623738 (cited by 4 submitters); PubMed 22118295 (cited by Labcorp Genetics (formerly Invitae), Labcorp); PubMed 19020039 (cited by Labcorp Genetics (formerly Invitae), Labcorp and Ambry Genetics); PubMed 19237585 (cited by Labcorp Genetics (formerly Invitae), Labcorp); PubMed 22036597 (cited by Labcorp Genetics (formerly Invitae), Labcorp and Ambry Genetics); PubMed 10643924 (cited by Ambry Genetics); PubMed 11904236 (cited by Ambry Genetics); PubMed 21753767 (cited by Ambry Genetics and OMIM); PubMed 22883468 (cited by Ambry Genetics); NCBI Bookshelf NBK1169 (cited by GeneReviews); PubMed 23593457 (cited by GeneReviews).